The following is an entry in ClinVar:

NM_000057.4(BLM):c.3667dup (p.Thr1223fs)

Gene: BLM (BLM RecQ like helicase; plus strand). Cytogenetic location: 15q26.1.
Variant type: Duplication.
Coding change: c.3667dup on transcript NM_000057.4 (MANE Select); coding-DNA position 3667, one base duplicated (A; older notation c.3667dupA).
Protein change: p.Thr1223fs; shifts the reading frame from threonine 1223.
Molecular consequence: frameshift variant. On other transcripts: intron variant (1).
Genome position (GRCh38, 1-based): chr15:90,804,275, A duplicated. VCF-style (leftmost placement, unchanged base first): chr15-90804274-T-TA. GRCh37 (hg19) VCF-style: chr15-91347504-T-TA.
Other names: c.3667dup, p.Thr1223fs (NM_001287246.2); c.2542dup, p.Thr848fs (NM_001287248.2); c.3359-4862dup (NM_001287247.2); short protein forms T1223fs, T848fs.
Identifiers: ClinVar variation 371288 (VCV000371288.14), dbSNP rs1057517154, ClinGen allele CA16041781.
Genomic context (GRCh38, chr15:90,804,274, plus strand): 5'-AGCGTTAGTAGCAAAAGTGTCTCAGAGGGAAGAGATGGTTAAAAAATGTCTTGGAGAACT[T>TA]ACAGAAGTCTGCAAATCTCTGGGGAAAGTTTTTGGTGTCCATTACTTCAATATTTTTAAT-3'

ClinVar aggregate classification (germline): Pathogenic/Likely pathogenic. Review status: criteria provided, multiple submitters, no conflicts (2 of 4 stars). 5 submissions from 5 submitters: Pathogenic (3); Likely pathogenic (1). 1 of the submissions does not count toward it. Last evaluated 2026-09-01.

Conditions:
Hereditary cancer-predisposing syndrome. Also called: Tumor predisposition; Neoplastic Syndromes, Hereditary; Hereditary neoplastic syndrome; Hereditary Cancer Syndrome. Identifiers: Orphanet 140162, MedGen C0027672, MeSH D009386, MONDO:0015356.
Bloom syndrome (BLM). Also called: Bloom-Torre-Machacek syndrome. Identifiers: Orphanet 125, MedGen C0005859, MONDO:0008876, OMIM 210900.

Allele frequency attached by ClinVar (database versions not stated): gnomAD 0.00001; gnomAD exomes below 0.00001.

Submissions (5):

Myriad Genetics, Inc.
Classification: Pathogenic for Bloom syndrome. Last evaluated: 2026-09-01. Review status: criteria provided, single submitter. Criteria: Myriad Autosomal Dominant, Autosomal Recessive and X-Linked Classification Criteria (2023). Collection method: clinical testing. Allele origin: unknown.
Comment: This variant is considered pathogenic. This variant creates a frameshift predicted to result in premature protein truncation.

Labcorp Genetics (formerly Invitae), Labcorp
Classification: Pathogenic for Bloom syndrome. Last evaluated: 2026-01-16. Review status: criteria provided, single submitter. Criteria: Invitae Variant Classification Sherloc (09022015). Collection method: clinical testing. Allele origin: germline.
Comment: This sequence change creates a premature translational stop signal (p.Thr1223Asnfs*20) in the BLM gene. It is expected to result in an absent or disrupted protein product. Loss-of-function variants in BLM are known to be pathogenic (PMID: 17407155). This variant is not present in population databases (gnomAD no frequency). This premature translational stop signal has been observed in individual(s) with ovarian cancer (PMID: 24448499). ClinVar contains an entry for this variant (Variation ID: 371288). Algorithms developed to predict the effect of sequence changes on RNA splicing suggest that this variant may disrupt the consensus splice site. For these reasons, this variant has been classified as Pathogenic.

Baylor Genetics
Classification: Likely pathogenic for Bloom syndrome. Last evaluated: 2023-08-14. Review status: criteria provided, single submitter. Criteria: ACMG Guidelines, 2015. Collection method: clinical testing. Allele origin: unknown.

Ambry Genetics
Classification: Pathogenic for Hereditary cancer-predisposing syndrome. Last evaluated: 2022-07-28. Review status: criteria provided, single submitter. Criteria: Ambry Variant Classification Scheme 2023. Collection method: clinical testing. Allele origin: germline.
Comment: The c.3667dupA pathogenic mutation, located in coding exon 18 of the BLM gene, results from a duplication of A at nucleotide position 3667, causing a translational frameshift with a predicted alternate stop codon (p.T1223Nfs*20). This variant is considered to be rare based on population cohorts in the Genome Aggregation Database (gnomAD). This alteration is expected to result in loss of function by premature protein truncation or nonsense-mediated mRNA decay. As such, this alteration is interpreted as a disease-causing mutation.

Counsyl
Classification: Likely pathogenic for Bloom syndrome. Last evaluated: 2016-08-18. Review status: no assertion criteria provided. Collection method: clinical testing. Allele origin: unknown. Not counted in ClinVar's aggregate classification.

Literature cited by the submitters: PubMed 17407155 (cited by Labcorp Genetics (formerly Invitae), Labcorp); PubMed 24448499 (cited by Labcorp Genetics (formerly Invitae), Labcorp).